The following is an entry in ClinVar:

ClinVar aggregate classification (germline): Uncertain significance (1 of 4 stars; one submission).

Conditions:
Epidermolysis bullosa simplex 3, localized or generalized intermediate, with BP230 deficiency (EBS3). Also called: Epidermolysis bullosa simplex, autosomal recessive 2; Epidermolysis bullosa simplex due to BP230 deficiency. Identifiers: Orphanet 412181, MedGen C3809470, MONDO:0014180, OMIM 615425.
Hereditary sensory and autonomic neuropathy type 6. Also called: HSAN VI; Neuropathy, hereditary sensory and autonomic, type VI. Identifiers: Orphanet 314381, MedGen C3539003, MONDO:0013839, OMIM 614653.

Submission:

Labcorp Genetics (formerly Invitae), Labcorp
Classification: Uncertain significance for Epidermolysis bullosa simplex 3, localized or generalized intermediate, with BP230 deficiency; Hereditary sensory and autonomic neuropathy type 6. Last evaluated: 2022-06-18. Review status: criteria provided, single submitter. Criteria: Invitae Variant Classification Sherloc (09022015). Collection method: clinical testing. Allele origin: germline.
Comment: Algorithms developed to predict the effect of missense changes on protein structure and function (SIFT, PolyPhen-2, Align-GVGD) all suggest that this variant is likely to be tolerated. This variant has not been reported in the literature in individuals affected with DST-related conditions. This variant is not present in population databases (gnomAD no frequency). This sequence change replaces glutamine, which is neutral and polar, with glutamic acid, which is acidic and polar, at codon 1540 of the DST protein (p.Gln1540Glu). In summary, the available evidence is currently insufficient to determine the role of this variant in disease. Therefore, it has been classified as a Variant of Uncertain Significance.

NM_001723.7(DST):c.4618C>G (p.Gln1540Glu)

Gene: DST (dystonin; minus strand). Cytogenetic location: 6p12.1.
Variant type: single nucleotide variant.
Coding change: c.4618C>G on transcript NM_001723.7 (MANE Plus Clinical); coding-DNA position 4618, C replaced by G.
Protein change: p.Gln1540Glu; replaces glutamine 1540 with glutamic acid.
Molecular consequence: missense variant. On other transcripts: intron variant (10).
Genome position (GRCh38, 1-based): chr6:56,619,416, G>C on the plus strand (C>G on the coding strand, the complement: DST is on the minus strand). VCF-style: chr6-56619416-G-C. GRCh37 (hg19) VCF-style: chr6-56484214-G-C.
Other names: c.4831-4932C>G (NM_001144769.5); c.4930-4932C>G (NM_001374722.1, NM_001374736.1); c.4957-4932C>G (NM_001374734.1); c.4417-4932C>G (NM_001144770.2); c.4297-4932C>G (NM_001374730.1, NM_001386100.1, NM_183380.4 and 1 more transcripts); c.3319-4932C>G (NM_015548.5); short protein forms Q1540E.
Identifiers: ClinVar variation 2007841 (VCV002007841.4), dbSNP rs2536708045, ClinGen allele CA364569265.